The following is an entry in ClinVar:

NM_003072.5(SMARCA4):c.992A>G (p.Gln331Arg)

Gene: SMARCA4 (SWI/SNF related BAF chromatin remodeling complex subunit ATPase 4; plus strand). Cytogenetic location: 19p13.2.
Variant type: single nucleotide variant.
Coding change: c.992A>G on transcript NM_003072.5 (MANE Select); coding-DNA position 992, A replaced by G.
Protein change: p.Gln331Arg; replaces glutamine 331 with arginine.
Molecular consequence: missense variant. On other transcripts: non-coding transcript variant (1).
Genome position (GRCh38, 1-based): chr19:10,987,798, A>G. VCF-style: chr19-10987798-A-G. GRCh37 (hg19) VCF-style: chr19-11098474-A-G.
Other names: c.992A>G, p.Gln331Arg (NM_001128844.3, NM_001128845.2, NM_001128846.2 and 6 more transcripts); short protein forms Q331R.
Identifiers: ClinVar variation 3320705 (VCV003320705.1).

ClinVar aggregate classification (germline): Uncertain significance (1 of 4 stars; one submission).

Conditions:
Hereditary cancer-predisposing syndrome. Also called: Neoplastic Syndromes, Hereditary; Tumor predisposition; Hereditary neoplastic syndrome; Hereditary Cancer Syndrome. Identifiers: Orphanet 140162, MedGen C0027672, MeSH D009386, MONDO:0015356.

Submission:

Ambry Genetics
Classification: Uncertain significance for Hereditary cancer-predisposing syndrome. Last evaluated: 2024-04-12. Review status: criteria provided, single submitter. Criteria: Ambry Variant Classification Scheme 2023. Collection method: clinical testing. Allele origin: germline.
Comment: The p.Q331R variant (also known as c.992A>G), located in coding exon 5 of the SMARCA4 gene, results from an A to G substitution at nucleotide position 992. The glutamine at codon 331 is replaced by arginine, an amino acid with highly similar properties. This amino acid position is highly conserved in available vertebrate species. In addition, the in silico prediction for this alteration is inconclusive. Based on the available evidence, the clinical significance of this variant remains unclear.